The following is an entry in ClinVar:

ClinVar aggregate classification (germline): Uncertain significance (1 of 4 stars; one submission).

Allele frequency attached by ClinVar (database versions not stated): ExAC 0.00006; gnomAD exomes 0.00007 and 0.00011; gnomAD 0.00010 and 0.00013; TOPMed 0.00010; 1000 Genomes Project 0.00020; 1000 Genomes Project 30x 0.00031; ESP Exome Variant Server 0.00031.
gnomAD v4.1: 179 of 1,614,158 alleles (0.011%); highest among the groups gnomAD compares: African/African-American, 0.033%; 2 homozygotes.

Submission:

Labcorp Genetics (formerly Invitae), Labcorp
Classification: Uncertain significance. Last evaluated: 2023-11-27. Review status: criteria provided, single submitter. Criteria: Invitae Variant Classification Sherloc (09022015). Collection method: clinical testing. Allele origin: germline.
Comment: This sequence change replaces valine, which is neutral and non-polar, with methionine, which is neutral and non-polar, at codon 386 of the ARMC9 protein (p.Val386Met). This variant is present in population databases (rs147807280, gnomAD 0.04%). This variant has not been reported in the literature in individuals affected with ARMC9-related conditions. ClinVar contains an entry for this variant (Variation ID: 857923). Experimental studies and prediction algorithms are not available or were not evaluated, and the functional significance of this variant is currently unknown. In summary, the available evidence is currently insufficient to determine the role of this variant in disease. Therefore, it has been classified as a Variant of Uncertain Significance.

NM_001352754.2(ARMC9):c.1156G>A (p.Val386Met)

Gene: ARMC9 (armadillo repeat containing 9; plus strand). Cytogenetic location: 2q37.1.
Variant type: single nucleotide variant.
Coding change: c.1156G>A on transcript NM_001352754.2 (MANE Select); coding-DNA position 1156, G replaced by A.
Protein change: p.Val386Met; replaces valine 386 with methionine.
Molecular consequence: missense variant. On other transcripts: non-coding transcript variant (1).
Genome position (GRCh38, 1-based): chr2:231,271,018, G>A. VCF-style: chr2-231271018-G-A. GRCh37 (hg19) VCF-style: chr2-232135731-G-A.
Other names: c.1156G>A, p.Val386Met (NM_001271466.4, NM_001291656.2, NM_001352755.2 and 3 more transcripts); c.1057G>A, p.Val353Met (NM_001352757.2, NM_001352758.2); short protein forms V353M, V386M.
Identifiers: ClinVar variation 857923 (VCV000857923.8), dbSNP rs147807280, ClinGen allele CA2160216.